The following is an entry in ClinVar:

NM_001165963.4(SCN1A):c.3610del (p.Trp1204fs)

Genes: SCN1A (sodium voltage-gated channel alpha subunit 1; minus strand), LOC102724058 (uncharacterized LOC102724058; plus strand). Cytogenetic location: 2q24.3.
Variant type: Deletion.
Coding change: c.3610del on transcript NM_001165963.4 (MANE Select); coding-DNA position 3610, one base deleted (T; older notation c.3610delT).
Protein change: p.Trp1204fs; shifts the reading frame from tryptophan 1204.
Molecular consequence: frameshift variant. On other transcripts: non-coding transcript variant (1).
Genome position (GRCh38, 1-based): chr2:166,013,839, A deleted on the plus strand (T on the coding strand, the reverse complement: SCN1A is on the minus strand). VCF-style (leftmost placement, unchanged base first): chr2-166013838-CA-C. GRCh37 (hg19) VCF-style: chr2-166870348-CA-C.
Other names: c.3526del, p.Trp1176fs (NM_001165964.3, NM_001353957.2, NM_001353958.2); c.3610del, p.Trp1204fs (NM_001202435.3, NM_001353948.2); c.3577del, p.Trp1193fs (NM_001353949.2, NM_001353950.2, NM_001353951.2 and 2 more transcripts); c.3574del, p.Trp1192fs (NM_001353954.2, NM_001353955.2); c.3523del, p.Trp1175fs (NM_001353960.2); c.1168del, p.Trp390fs (NM_001353961.2); short protein forms W1193fs, W1175fs, W1204fs, W390fs, W1192fs, W1176fs.
Identifiers: ClinVar variation 2026675 (VCV002026675.4), dbSNP rs2468532253, ClinGen allele CA2580064342.

ClinVar aggregate classification (germline): Pathogenic (1 of 4 stars; one submission).

Conditions:
Early-infantile DEE. Also called: Ohtahara syndrome; Early infantile epileptic encephalopathy with suppression bursts; Early infantile epileptic encephalopathy. Identifiers: Orphanet 1934, MedGen C0393706, MONDO:0800491.

Submission:

Labcorp Genetics (formerly Invitae), Labcorp
Classification: Pathogenic for Early-infantile DEE. Last evaluated: 2022-08-23. Review status: criteria provided, single submitter. Criteria: Invitae Variant Classification Sherloc (09022015). Collection method: clinical testing. Allele origin: germline.
Comment: This sequence change creates a premature translational stop signal (p.Trp1204Glyfs*4) in the SCN1A gene. It is expected to result in an absent or disrupted protein product. Loss-of-function variants in SCN1A are known to be pathogenic (PMID: 17347258, 18930999). For these reasons, this variant has been classified as Pathogenic. This variant has not been reported in the literature in individuals affected with SCN1A-related conditions. This variant is not present in population databases (gnomAD no frequency).

Literature cited by the submitters: PubMed 17347258; PubMed 18930999.